The following is an entry in ClinVar:

NM_000203.5(IDUA):c.1651-7C>T

Gene: IDUA (alpha-L-iduronidase; plus strand). Cytogenetic location: 4p16.3.
Variant type: single nucleotide variant.
Coding change: c.1651-7C>T on transcript NM_000203.5 (MANE Select); 7 bases into the intron before coding-DNA position 1651, C replaced by T.
Molecular consequence: intron variant.
Genome position (GRCh38, 1-based): chr4:1,003,542, C>T. VCF-style: chr4-1003542-C-T. GRCh37 (hg19) VCF-style: chr4-997330-C-T.
Other names: c.1255-7C>T (NM_001363576.1).
Identifiers: ClinVar variation 1147380 (VCV001147380.12), dbSNP rs934115207, ClinGen allele CA438057995.
Genomic context (GRCh38, chr4:1,003,542, plus strand): 5'-TCCCCTAACCCGCGCCGCGGCCCGGACTCCCCTTCCCCGACGCCATCACAGCCCTTCCCT[C>T]CCCCAGGTCACGCGGCTCCGCGCCCTGCCCCTGACCCAAGGGCAGCTGGTTCTGGTCTGG-3'

ClinVar aggregate classification (germline): Uncertain significance. Review status: reviewed by expert panel (3 of 4 stars). 2 submissions from 2 submitters: Uncertain significance (1). 1 of the submissions does not count toward it. Last evaluated 2026-07-06.

Conditions:
Mucopolysaccharidosis type 1. Also called: Mucopolysaccharidosis Type I; IDUA deficiency; MPS I. Identifiers: Orphanet 579, MedGen C0023786, MONDO:0001586.

gnomAD v4.1: 4 of 1,611,144 alleles (0.00025%); highest among the groups gnomAD compares: Non-Finnish European, 0.00034%; no homozygotes.

Submissions (2):

ClinGen Lysosomal Storage Disorder Variant Curation Expert Panel
Classification: Uncertain significance for Mucopolysaccharidosis type 1. Last evaluated: 2026-07-06. Review status: reviewed by expert panel. Criteria: ClinGen LSD ACMG Specifications IDUA V1.2.0. Collection method: curation. Allele origin: germline. Inheritance: Autosomal recessive inheritance.
Comment: The NM_000203.5(IDUA):c.1651-7C>T variant is in the acceptor splice site region of intron 11 of IDUA. SpliceAI predicts that the variant has no impact on splicing (BP4). The highest population minor allele frequency in gnomAD v4.1.0 is 0.000003 (4/1179732 alleles) in the Non-Finnish European population, which is lower than the ClinGen Lysosomal Diseases VCEP’s threshold for PM2_Supporting (<0.00025), meeting this criterion (PM2_Supporting). There is a ClinVar entry for this variant (Variation ID: 1147380). Due to conflicting evidence, this variant is classified as a variant of uncertain significance for MPS I based on the IDUA-specific ACMG/AMP criteria applied, as specified by the ClinGen Lysosomal Diseases Variant Curation Expert Panel (specifications Version 1.2.0): BP7, PM2_Supporting (Classification approved by the ClinGen Lysosomal Diseases Variant Curation Expert Panel on July 6, 2026)

Labcorp Genetics (formerly Invitae), Labcorp
Classification: Likely benign for Mucopolysaccharidosis type 1. Last evaluated: 2025-03-17. Review status: criteria provided, single submitter. Criteria: Invitae Variant Classification Sherloc (09022015). Collection method: clinical testing. Allele origin: germline. Not counted in ClinVar's aggregate classification.